The following is an entry in ClinVar:

ClinVar aggregate classification (germline): Pathogenic (1 of 4 stars; one submission).

Conditions:
Cerebral creatine deficiency syndrome. Also called: Creatine deficiency syndromes. Identifiers: Orphanet 79172, MedGen C5244016, MONDO:0000456.

Submission:

Labcorp Genetics (formerly Invitae), Labcorp
Classification: Pathogenic for Cerebral creatine deficiency syndrome. Last evaluated: 2023-03-08. Review status: criteria provided, single submitter. Criteria: Invitae Variant Classification Sherloc (09022015). Collection method: clinical testing. Allele origin: germline.
Comment: For these reasons, this variant has been classified as Pathogenic. This sequence change creates a premature translational stop signal (p.Trp102*) in the GAMT gene. It is expected to result in an absent or disrupted protein product. Loss-of-function variants in GAMT are known to be pathogenic (PMID: 15108290). This variant is not present in population databases (gnomAD no frequency). This variant has not been reported in the literature in individuals affected with GAMT-related conditions.

Literature cited by the submitters: PubMed 15108290.

NM_000156.6(GAMT):c.306G>A (p.Trp102Ter)

Gene: GAMT (guanidinoacetate N-methyltransferase; minus strand). Cytogenetic location: 19p13.3.
Variant type: single nucleotide variant.
Coding change: c.306G>A on transcript NM_000156.6 (MANE Select); coding-DNA position 306, G replaced by A.
Protein change: p.Trp102Ter; replaces tryptophan 102 with a stop codon.
Molecular consequence: nonsense.
Genome position (GRCh38, 1-based): chr19:1,399,814, C>T on the plus strand (G>A on the coding strand, the complement: GAMT is on the minus strand). VCF-style: chr19-1399814-C-T. GRCh37 (hg19) VCF-style: chr19-1399813-C-T.
Other names: c.306G>A, p.Trp102Ter (NM_138924.3); short protein forms W102*.
Identifiers: ClinVar variation 2843680 (VCV002843680.3), dbSNP rs1419419172, ClinGen allele CA402996208.